The following is an entry in ClinVar:

ClinVar aggregate classification (germline): Likely benign. Review status: criteria provided, multiple submitters, no conflicts (2 of 4 stars). 5 submissions from 3 submitters: Likely benign (5). Last evaluated 2024-10-02.

Conditions:
Retinitis pigmentosa 12 (RP12). Also called: RP WITH OR WITHOUT PRESERVED PARAARTERIOLE RETINAL PIGMENT EPITHELIUM; RETINITIS PIGMENTOSA WITH OR WITHOUT PARAARTERIOLAR PRESERVATION OF RETINAL PIGMENT EPITHELIUM; RP WITH OR WITHOUT PPRPE. Identifiers: Orphanet 791, MedGen C1838647, MONDO:0010818, OMIM 600105.
Leber congenital amaurosis 8 (LCA8). Identifiers: Orphanet 65, MedGen C3151202, MONDO:0013453, OMIM 613835.
Pigmented paravenous retinochoroidal atrophy. Identifiers: Orphanet 251295, MedGen C1868310, MONDO:0008246, OMIM 172870.

Allele frequency attached by ClinVar (database versions not stated): gnomAD exomes 0.00001.
gnomAD v4.1: 15 of 1,614,208 alleles (0.00093%); highest among the groups gnomAD compares: Non-Finnish European, 0.0013%; no homozygotes.

Submissions (5):

Labcorp Genetics (formerly Invitae), Labcorp
Classification: Likely benign for Leber congenital amaurosis 8; Retinitis pigmentosa 12. Last evaluated: 2024-10-02. Review status: criteria provided, single submitter. Criteria: Invitae Variant Classification Sherloc (09022015). Collection method: clinical testing. Allele origin: germline.

Genome-Nilou Lab
Classification: Likely benign for Leber congenital amaurosis 8. Last evaluated: 2023-04-11. Review status: criteria provided, single submitter. Criteria: ACMG Guidelines, 2015. Collection method: clinical testing. Allele origin: germline. Affected: no.

Genome-Nilou Lab
Classification: Likely benign for Pigmented paravenous retinochoroidal atrophy. Last evaluated: 2023-04-11. Review status: criteria provided, single submitter. Criteria: ACMG Guidelines, 2015. Collection method: clinical testing. Allele origin: germline. Affected: no.

Genome-Nilou Lab
Classification: Likely benign for Retinitis pigmentosa 12. Last evaluated: 2023-04-11. Review status: criteria provided, single submitter. Criteria: ACMG Guidelines, 2015. Collection method: clinical testing. Allele origin: germline. Affected: no.

CeGaT Center for Human Genetics Tuebingen
Classification: Likely benign. Last evaluated: 2023-02-01. Review status: criteria provided, single submitter. Criteria: CeGaT Center For Human Genetics Tuebingen Variant Classification Criteria Version 2. Collection method: clinical testing. Allele origin: germline. Affected: yes. Observed: 1 variant allele.
Comment: CRB1: PM2:Supporting, BP4, BP7

NM_201253.3(CRB1):c.579T>C (p.Asp193=)

Gene: CRB1 (crumbs cell polarity complex component 1; plus strand). Cytogenetic location: 1q31.3.
Variant type: single nucleotide variant.
Coding change: c.579T>C on transcript NM_201253.3 (MANE Select); coding-DNA position 579, T replaced by C.
Protein change: p.Asp193=; no amino-acid change (aspartic acid 193 retained).
Molecular consequence: synonymous variant. On other transcripts: non-coding transcript variant (2).
Genome position (GRCh38, 1-based): chr1:197,328,930, T>C. VCF-style: chr1-197328930-T-C. GRCh37 (hg19) VCF-style: chr1-197298060-T-C.
Other names: c.579T>C, p.Asp193= (NM_001193640.2, NM_001257966.2); c.372T>C, p.Asp124= (NM_001257965.2).
Identifiers: ClinVar variation 1079916 (VCV001079916.36), dbSNP rs1382054822, ClinGen allele CA422723832.
Genomic context (GRCh38, chr1:197,328,930, plus strand): 5'-CTGTGTCCCAGGATATCAAGGCAGACACTGCGACTTGGAAGTGGATGAATGTGCTTCAGA[T>C]CCCTGCAAGAACGAGGCTACATGCCTCAATGAAATAGGAAGATATACTTGTATCTGTCCC-3'
Protein context (NP_957705.1, residues 183-203): CDLEVDECAS[Asp193=]PCKNEATCLN